The following is an entry in ClinVar:

NM_005422.4(TECTA):c.2322C>T (p.Ala774=)

Genes: TBCEL-TECTA (TBCEL-TECTA readthrough; plus strand), TECTA (tectorin alpha; plus strand). Cytogenetic location: 11q23.3.
Variant type: single nucleotide variant.
Coding change: c.2322C>T on transcript NM_005422.4 (MANE Select); coding-DNA position 2322, C replaced by T.
Protein change: p.Ala774=; no amino-acid change (alanine 774 retained).
Molecular consequence: synonymous variant.
Genome position (GRCh38, 1-based): chr11:121,128,299, C>T. VCF-style: chr11-121128299-C-T. GRCh37 (hg19) VCF-style: chr11-120999008-C-T.
Other names: c.3279C>T, p.Ala1093= (NM_001378761.1).
Identifiers: ClinVar variation 227992 (VCV000227992.8), dbSNP rs200749722, ClinGen allele CA6326954.

ClinVar aggregate classification (germline): Likely benign. Review status: criteria provided, multiple submitters, no conflicts (2 of 4 stars). 2 submissions from 2 submitters: Likely benign (2). Last evaluated 2023-07-28.

Allele frequency attached by ClinVar (database versions not stated): gnomAD 0.00002 and 0.00003; TOPMed 0.00003; ExAC 0.00004; gnomAD exomes 0.00006; 1000 Genomes Project 30x 0.00016.
gnomAD v4.1: 29 of 1,599,716 alleles (0.0018%); highest among the groups gnomAD compares: Admixed American, 0.025%; no homozygotes.

Submissions (2):

Labcorp Genetics (formerly Invitae), Labcorp
Classification: Likely benign. Last evaluated: 2023-07-28. Review status: criteria provided, single submitter. Criteria: Invitae Variant Classification Sherloc (09022015). Collection method: clinical testing. Allele origin: germline.

Laboratory for Molecular Medicine, Mass General Brigham Personalized Medicine
Classification: Likely benign. Last evaluated: 2015-07-15. Review status: criteria provided, single submitter. Criteria: LMM Criteria. Collection method: clinical testing. Allele origin: germline. Observed: 1 variant allele.
Comment: p.Ala774Ala in exon 8 of TECTA: This variant is not expected to have clinical si gnificance because it does not alter an amino acid residue and is not located wi thin the splice consensus sequence. It has been identified in 4/11448 Latino chr omosomes by the Exome Aggregation Consortium (ExAC, rg; dbSNP rs200749722).